The following is an entry in ClinVar:

NM_000628.5(IL10RB):c.194A>G (p.Lys65Arg)

Genes: IFNAR2-IL10RB (IFNAR2-IL10RB readthrough; plus strand), IL10RB (interleukin 10 receptor subunit beta; plus strand). Cytogenetic location: 21q22.11.
Variant type: single nucleotide variant.
Coding change: c.194A>G on transcript NM_000628.5 (MANE Select); coding-DNA position 194, A replaced by G.
Protein change: p.Lys65Arg; replaces lysine 65 with arginine.
Molecular consequence: missense variant.
Genome position (GRCh38, 1-based): chr21:33,276,616, A>G. VCF-style: chr21-33276616-A-G. GRCh37 (hg19) VCF-style: chr21-34648921-A-G.
Other names: short protein forms K65R.
Identifiers: ClinVar variation 1435912 (VCV001435912.8), dbSNP rs1269352420, ClinGen allele CA410108728.

ClinVar aggregate classification (germline): Uncertain significance (1 of 4 stars; one submission).

Conditions:
Inflammatory bowel disease 25. Also called: Inflammatory bowel disease 25, early onset, autosomal recessive. Identifiers: Orphanet 238569, MedGen C2675508, MONDO:0012941, OMIM 612567.

Allele frequency attached by ClinVar (database versions not stated): gnomAD exomes below 0.00001; TOPMed below 0.00001.
gnomAD v4.1: 2 of 1,613,364 alleles (0.00012%); highest among the groups gnomAD compares: Non-Finnish European, 0.00017%; no homozygotes.

Submission:

Labcorp Genetics (formerly Invitae), Labcorp
Classification: Uncertain significance for Inflammatory bowel disease 25. Last evaluated: 2023-12-11. Review status: criteria provided, single submitter. Criteria: Invitae Variant Classification Sherloc (09022015). Collection method: clinical testing. Allele origin: germline.
Comment: This sequence change replaces lysine, which is basic and polar, with arginine, which is basic and polar, at codon 65 of the IL10RB protein (p.Lys65Arg). This variant is not present in population databases (gnomAD no frequency). This variant has not been reported in the literature in individuals affected with IL10RB-related conditions. ClinVar contains an entry for this variant (Variation ID: 1435912). Advanced modeling of protein sequence and biophysical properties (such as structural, functional, and spatial information, amino acid conservation, physicochemical variation, residue mobility, and thermodynamic stability) performed at Invitae indicates that this missense variant is not expected to disrupt IL10RB protein function with a negative predictive value of 80%. In summary, the available evidence is currently insufficient to determine the role of this variant in disease. Therefore, it has been classified as a Variant of Uncertain Significance.